The following is an entry in ClinVar:

ClinVar aggregate classification (germline): Uncertain significance (1 of 4 stars; one submission).

Submission:

Ambry Genetics
Classification: Uncertain significance. Last evaluated: 2021-06-23. Review status: criteria provided, single submitter. Criteria: Ambry Variant Classification Scheme 2023. Collection method: clinical testing. Allele origin: germline.
Comment: The p.L29V variant (also known as c.85C>G), located in coding exon 1 of the PRKDC gene, results from a C to G substitution at nucleotide position 85. The leucine at codon 29 is replaced by valine, an amino acid with highly similar properties. This amino acid position is conserved. In addition, this alteration is predicted to be tolerated by in silico analysis. Since supporting evidence is limited at this time, the clinical significance of this alteration remains unclear.

NM_006904.7(PRKDC):c.85C>G (p.Leu29Val)

Genes: PRKDC (protein kinase, DNA-activated, catalytic subunit; minus strand), LOC129929030 (ATAC-STARR-seq lymphoblastoid silent region 19177; plus strand). Cytogenetic location: 8q11.21.
Variant type: single nucleotide variant.
Coding change: c.85C>G on transcript NM_006904.7 (MANE Select); coding-DNA position 85, C replaced by G.
Protein change: p.Leu29Val; replaces leucine 29 with valine.
Molecular consequence: missense variant.
Genome position (GRCh38, 1-based): chr8:47,960,042, G>C on the plus strand (C>G on the coding strand, the complement: PRKDC is on the minus strand). VCF-style: chr8-47960042-G-C. GRCh37 (hg19) VCF-style: chr8-48872602-G-C.
Other names: c.85C>G, p.Leu29Val (NM_001081640.2); short protein forms L29V.
Identifiers: ClinVar variation 1764000 (VCV001764000.2), dbSNP rs763012223, ClinGen allele CA371142856.